The following is an entry in ClinVar:

ClinVar aggregate classification (germline): Pathogenic (1 of 4 stars; one submission).

Submission:

Labcorp Genetics (formerly Invitae), Labcorp
Classification: Pathogenic. Last evaluated: 2023-10-12. Review status: criteria provided, single submitter. Criteria: Invitae Variant Classification Sherloc (09022015). Collection method: clinical testing. Allele origin: germline.
Comment: This sequence change creates a premature translational stop signal (p.Leu609*) in the EYS gene. It is expected to result in an absent or disrupted protein product. Loss-of-function variants in EYS are known to be pathogenic (PMID: 18836446, 20333770). This variant is not present in population databases (gnomAD no frequency). This variant has not been reported in the literature in individuals affected with EYS-related conditions. For these reasons, this variant has been classified as Pathogenic.

Literature cited by the submitters: PubMed 18836446; PubMed 20333770.

NM_001142800.2(EYS):c.1824del (p.Cys608_Leu609insTer)

Gene: EYS (EGF-like photoreceptor maintenance factor; minus strand). Cytogenetic location: 6q12.
Variant type: Deletion.
Coding change: c.1824del on transcript NM_001142800.2 (MANE Select); coding-DNA position 1824, one base deleted (C; older notation c.1824delC).
Protein change: p.Cys608_Leu609insTer.
Molecular consequence: frameshift variant.
Genome position (GRCh38, 1-based): chr6:65,296,062, G deleted on the plus strand (C on the coding strand, the reverse complement: EYS is on the minus strand). VCF-style (leftmost placement, unchanged base first): chr6-65296061-AG-A. GRCh37 (hg19) VCF-style: chr6-66005954-AG-A.
Other names: c.1824del, p.Cys608_Leu609insTer (NM_001292009.2).
Identifiers: ClinVar variation 2767726 (VCV002767726.3), dbSNP rs2533013171, ClinGen allele CA2697553526.